The following is an entry in ClinVar:

NM_001184900.3(CARD8):c.802G>A (p.Val268Ile)

Gene: CARD8 (caspase recruitment domain family member 8; minus strand). Cytogenetic location: 19q13.33.
Variant type: single nucleotide variant.
Coding change: c.802G>A on transcript NM_001184900.3 (MANE Select); coding-DNA position 802, G replaced by A.
Protein change: p.Val268Ile; replaces valine 268 with isoleucine.
Molecular consequence: missense variant. On other transcripts: non-coding transcript variant (4).
Genome position (GRCh38, 1-based): chr19:48,230,671, C>T on the plus strand (G>A on the coding strand, the complement: CARD8 is on the minus strand). VCF-style: chr19-48230671-C-T. GRCh37 (hg19) VCF-style: chr19-48733928-C-T.
Other names: c.652G>A, p.Val218Ile (NM_001184901.1, NM_001351783.2, NM_001351788.2 and 2 more transcripts); c.802G>A, p.Val268Ile (NM_001184902.2, NM_001184903.1, NM_001351782.2); c.487G>A, p.Val163Ile (NM_001351784.2, NM_001351787.2, NM_001351791.2 and 1 more transcripts); c.466G>A, p.Val156Ile (NM_001351786.2); c.559G>A, p.Val187Ile (NM_001351790.2); c.484G>A, p.Val162Ile (NM_001365950.1); c.802G>A (NM_001184900.1); short protein forms V187I, V162I, V268I, V156I, V163I, V218I.
Identifiers: ClinVar variation 1419713 (VCV001419713.8), dbSNP rs201339858, ClinGen allele CA9547897.
Genomic context (GRCh38, chr19:48,230,671, plus strand): 5'-AGAAAGGCTCCACCCGGGCTGGATGCTCCAGGACCATCCCTTCATTCTTAAAATGGGCAA[C>T]GAGAAACCAGGAGACGTCCACCTCACCTGCTGCAGGAGAACCACAACAGCAGTGAGACGG-3'
Protein context (NP_001171829.1, residues 258-278): AGEVDVSWFL[Val268Ile]AHFKNEGMVL

ClinVar aggregate classification (germline): Uncertain significance. Review status: criteria provided, multiple submitters, no conflicts (2 of 4 stars). 3 submissions from 3 submitters: Uncertain significance (3). Last evaluated 2026-02-01.

Allele frequency attached by ClinVar (database versions not stated): 1000 Genomes Project 30x 0.00031; 1000 Genomes Project 0.00040; ESP Exome Variant Server 0.00054.
gnomAD v4.1: 1,505 of 1,613,996 alleles (0.093%); highest among the groups gnomAD compares: Non-Finnish European, 0.11%; no homozygotes.

Submissions (3):

Labcorp Genetics (formerly Invitae), Labcorp
Classification: Uncertain significance. Last evaluated: 2026-02-01. Review status: criteria provided, single submitter. Criteria: Invitae Variant Classification Sherloc (09022015). Collection method: clinical testing. Allele origin: germline.
Comment: This sequence change replaces valine, which is neutral and non-polar, with isoleucine, which is neutral and non-polar, at codon 218 of the CARD8 protein (p.Val218Ile). This variant is present in population databases (rs201339858, gnomAD 0.09%), and has an allele count higher than expected for a pathogenic variant. This variant has not been reported in the literature in individuals affected with CARD8-related conditions. ClinVar contains an entry for this variant (Variation ID: 1419713). An algorithm developed to predict the effect of missense changes on protein structure and function outputs the following: PolyPhen-2: "Benign". The isoleucine amino acid residue is found in multiple mammalian species, which suggests that this missense change does not adversely affect protein function. In summary, the available evidence is currently insufficient to determine the role of this variant in disease. Therefore, it has been classified as a Variant of Uncertain Significance.

Ambry Genetics
Classification: Uncertain significance. Last evaluated: 2021-07-20. Review status: criteria provided, single submitter. Criteria: Ambry Variant Classification Scheme 2023. Collection method: clinical testing. Allele origin: germline.

Breakthrough Genomics
Classification: Uncertain significance. Review status: criteria provided, single submitter. Criteria: ACMG Guidelines, 2015. Collection method: not provided. Allele origin: germline. Inheritance: Autosomal dominant inheritance. Affected: yes.